The following is an entry in ClinVar:

NM_004722.4(AP4M1):c.981C>T (p.Ala327=)

Gene: AP4M1 (adaptor related protein complex 4 subunit mu 1; plus strand). Cytogenetic location: 7q22.1.
Variant type: single nucleotide variant.
Coding change: c.981C>T on transcript NM_004722.4 (MANE Select); coding-DNA position 981, C replaced by T.
Protein change: p.Ala327=; no amino-acid change (alanine 327 retained).
Molecular consequence: synonymous variant.
Genome position (GRCh38, 1-based): chr7:100,106,247, C>T. VCF-style: chr7-100106247-C-T. GRCh37 (hg19) VCF-style: chr7-99703870-C-T.
Other names: c.1002C>T, p.Ala334= (NM_001363671.2); c.981C>T (NM_004722.3).
Identifiers: ClinVar variation 1085724 (VCV001085724.12), dbSNP rs563402705, ClinGen allele CA4374913.

ClinVar aggregate classification (germline): Likely benign. Review status: criteria provided, single submitter (1 of 4 stars). 2 submissions from 2 submitters: Likely benign (1). 1 of the submissions does not count toward it. Last evaluated 2025-09-18.

Conditions:
AP4M1-related disorder. Also called: AP4M1-related condition.
Hereditary spastic paraplegia 50 (SPG50). Also called: Spastic paraplegia 50, autosomal recessive. Identifiers: Orphanet 280763, MedGen C2752008, MONDO:0013048, OMIM 612936.

Allele frequency attached by ClinVar (database versions not stated): TOPMed 0.00003; gnomAD 0.00004 and 0.00005; gnomAD exomes 0.00009 and 0.00016; 1000 Genomes Project 30x 0.00016; ExAC 0.00016; 1000 Genomes Project 0.00020.
gnomAD v4.1: 135 of 1,614,134 alleles (0.0084%); highest among the groups gnomAD compares: South Asian, 0.1%; 1 homozygote.

Submissions (2):

Labcorp Genetics (formerly Invitae), Labcorp
Classification: Likely benign for Hereditary spastic paraplegia 50. Last evaluated: 2025-09-18. Review status: criteria provided, single submitter. Criteria: Invitae Variant Classification Sherloc (09022015). Collection method: clinical testing. Allele origin: germline.

PreventionGenetics, part of Exact Sciences
Classification: Likely benign for AP4M1-related condition. Last evaluated: 2021-12-29. Review status: no assertion criteria provided. Collection method: clinical testing. Allele origin: germline. Not counted in ClinVar's aggregate classification.
Comment: This variant is classified as likely benign based on ACMG/AMP sequence variant interpretation guidelines (Richards et al. 2015 PMID: 25741868, with internal and published modifications).